The following is an entry in ClinVar:

NM_021625.5(TRPV4):c.-32+202T>C

Gene: TRPV4 (transient receptor potential cation channel subfamily V member 4; minus strand). Cytogenetic location: 12q24.11.
Variant type: single nucleotide variant.
Coding change: c.-32+202T>C on transcript NM_021625.5 (MANE Select); 202 bases into the intron after 32 bases upstream of the start codon, T replaced by C.
Molecular consequence: intron variant.
Genome position (GRCh38, 1-based): chr12:109,833,148, A>G on the plus strand (T>C on the coding strand, the complement: TRPV4 is on the minus strand). VCF-style: chr12-109833148-A-G. GRCh37 (hg19) VCF-style: chr12-110270953-A-G.
Identifiers: ClinVar variation 670248 (VCV000670248.2), dbSNP rs4635144, ClinGen allele CA13632300.

ClinVar aggregate classification (germline): Benign. Review status: criteria provided, multiple submitters, no conflicts (2 of 4 stars). 2 submissions from 2 submitters: Benign (2). Last evaluated 2018-06-20.

Allele frequency attached by ClinVar (database versions not stated): TOPMed 0.67471; 1000 Genomes Project 0.67931; 1000 Genomes Project 30x 0.68863.
gnomAD v4.1: 100,470 of 151,964 alleles (66%); highest among the groups gnomAD compares: African/African-American, 90%; 35,462 homozygotes.

Submissions (2):

GeneDx
Classification: Benign. Last evaluated: 2018-06-20. Review status: criteria provided, single submitter. Criteria: GeneDx Variant Classification (06012015). Collection method: clinical testing. Allele origin: germline. Affected: yes.
Comment: This variant is considered likely benign or benign based on one or more of the following criteria: it is a conservative change, it occurs at a poorly conserved position in the protein, it is predicted to be benign by multiple in silico algorithms, and/or has population frequency not consistent with disease.

Breakthrough Genomics
Classification: Benign. Review status: criteria provided, single submitter. Criteria: ACMG Guidelines, 2015. Collection method: not provided. Allele origin: germline. Inheritance: Autosomal dominant inheritance. Affected: yes.